The following is an entry in ClinVar:

NM_006227.4(PLTP):c.1295G>A (p.Arg432His)

Gene: PLTP (phospholipid transfer protein; minus strand). Cytogenetic location: 20q13.12.
Variant type: single nucleotide variant.
Coding change: c.1295G>A on transcript NM_006227.4 (MANE Select); coding-DNA position 1295, G replaced by A.
Protein change: p.Arg432His; replaces arginine 432 with histidine.
Molecular consequence: missense variant.
Genome position (GRCh38, 1-based): chr20:45,899,526, C>T on the plus strand (G>A on the coding strand, the complement: PLTP is on the minus strand). VCF-style: chr20-45899526-C-T. GRCh37 (hg19) VCF-style: chr20-44528165-C-T.
Other names: c.1295G>A (NM_006227.3); c.1010G>A, p.Arg337His (NM_001242920.2); c.1031G>A, p.Arg344His (NM_001242921.1); c.1139G>A, p.Arg380His (NM_182676.3); short protein forms R344H, R380H, R432H, R337H.
Identifiers: ClinVar variation 2908972 (VCV002908972.4), dbSNP rs745707576, ClinGen allele CA9883497.

ClinVar aggregate classification (germline): Uncertain significance. Review status: criteria provided, multiple submitters, no conflicts (2 of 4 stars). 2 submissions from 2 submitters: Uncertain significance (2). Last evaluated 2024-11-24.

Allele frequency attached by ClinVar (database versions not stated): gnomAD 0.00001; TOPMed 0.00001; ExAC 0.00002; gnomAD exomes 0.00002.
gnomAD v4.1: 34 of 1,614,042 alleles (0.0021%); highest among the groups gnomAD compares: Non-Finnish European, 0.0028%; no homozygotes.

Submissions (2):

Ambry Genetics
Classification: Uncertain significance. Last evaluated: 2024-11-24. Review status: criteria provided, single submitter. Criteria: Ambry Variant Classification Scheme 2023. Collection method: clinical testing. Allele origin: germline.

Labcorp Genetics (formerly Invitae), Labcorp
Classification: Uncertain significance. Last evaluated: 2023-08-07. Review status: criteria provided, single submitter. Criteria: Invitae Variant Classification Sherloc (09022015). Collection method: clinical testing. Allele origin: germline.
Comment: This variant has not been reported in the literature in individuals affected with PLTP-related conditions. This sequence change replaces arginine, which is basic and polar, with histidine, which is basic and polar, at codon 432 of the PLTP protein (p.Arg432His). This variant is present in population databases (rs745707576, gnomAD 0.007%). An algorithm developed to predict the effect of missense changes on protein structure and function (PolyPhen-2) suggests that this variant is likely to be disruptive. In summary, the available evidence is currently insufficient to determine the role of this variant in disease. Therefore, it has been classified as a Variant of Uncertain Significance.